The following is an entry in ClinVar:

ClinVar aggregate classification (germline): Likely pathogenic (1 of 4 stars; one submission).

Submission:

GeneDx
Classification: Likely pathogenic. Last evaluated: 2025-03-19. Review status: criteria provided, single submitter. Criteria: GeneDx Variant Classification Process June 2021. Collection method: clinical testing. Allele origin: germline. Affected: yes.
Comment: Not observed at significant frequency in large population cohorts (gnomAD); In silico analysis supports that this missense variant has a deleterious effect on protein structure/function; Has not been previously published as pathogenic or benign to our knowledge

NM_201599.3(ZMYM3):c.3452G>A (p.Arg1151Gln)

Gene: ZMYM3 (zinc finger MYM-type containing 3; minus strand). Cytogenetic location: Xq13.1.
Variant type: single nucleotide variant.
Coding change: c.3452G>A on transcript NM_201599.3 (MANE Select); coding-DNA position 3452, G replaced by A.
Protein change: p.Arg1151Gln; replaces arginine 1151 with glutamine.
Molecular consequence: missense variant.
Genome position (GRCh38, 1-based): chrX:71,243,065, C>T on the plus strand (G>A on the coding strand, the complement: ZMYM3 is on the minus strand). VCF-style: chrX-71243065-C-T. GRCh37 (hg19) VCF-style: chrX-70462915-C-T.
Other names: c.3416G>A, p.Arg1139Gln (NM_001171162.1); c.3452G>A, p.Arg1151Gln (NM_005096.3); short protein forms R1139Q, R1151Q.
Identifiers: ClinVar variation 3602248 (VCV003602248.2).